The following is an entry in ClinVar:

ClinVar aggregate classification (germline): Benign. Review status: criteria provided, multiple submitters, no conflicts (2 of 4 stars). 3 submissions from 3 submitters: Benign (3). Last evaluated 2024-07-15.

Allele frequency attached by ClinVar (database versions not stated): gnomAD 0.15535 and 0.15491; ExAC 0.18489; 1000 Genomes Project 30x 0.11571; 1000 Genomes Project 0.11342; gnomAD exomes 0.18262 and 0.20075; TOPMed 0.14330.
gnomAD v4.1: 277,904 of 1,424,794 alleles (20%); highest among the groups gnomAD compares: Non-Finnish European, 21%; 28,774 homozygotes.

Submissions (8):

Unidad de Genómica Garrahan, Hospital de Pediatría Garrahan
Classification: Benign. Last evaluated: 2024-07-15. Review status: criteria provided, single submitter. Criteria: ACMG Guidelines, 2015. Collection method: clinical testing. Allele origin: germline. Affected: no. Observed: 29 variant alleles.
Comment: This variant is classified as Benign based on local population frequency. This variant was detected in 31% of patients studied in a panel designed for Epileptic and Developmental Encephalopathy and Progressive Myoclonus Epilepsy. Number of patients: 29. Only high quality variants are reported.

GeneDx
Classification: Benign. Last evaluated: 2018-06-18. Review status: criteria provided, single submitter. Criteria: GeneDx Variant Classification (06012015). Collection method: clinical testing. Allele origin: germline. Affected: yes.
Comment: This variant is considered likely benign or benign based on one or more of the following criteria: it is a conservative change, it occurs at a poorly conserved position in the protein, it is predicted to be benign by multiple in silico algorithms, and/or has population frequency not consistent with disease.

Breakthrough Genomics
Classification: Benign. Review status: criteria provided, single submitter. Criteria: ACMG Guidelines, 2015. Collection method: not provided. Allele origin: germline. Inheritance: Autosomal recessive inheritance. Affected: yes.

Dr. Peter K. Rogan Lab, Western University
No classification provided (evidence only). Condition: Malignant lymphoma, large B-cell, diffuse. Review status: no classification provided. Collection method: in vitro. Allele origin: not applicable. Functional consequence: retained intron. Not counted in ClinVar's aggregate classification.

Dr. Peter K. Rogan Lab, Western University
No classification provided (evidence only). Condition: Malignant lymphoma, large B-cell, diffuse. Review status: no classification provided. Collection method: in vitro. Allele origin: not applicable. Functional consequence: retained intron. Not counted in ClinVar's aggregate classification.

Dr. Peter K. Rogan Lab, Western University
No classification provided (evidence only). Condition: Thymoma. Review status: no classification provided. Collection method: in vitro. Allele origin: not applicable. Functional consequence: retained intron. Not counted in ClinVar's aggregate classification.

Dr. Peter K. Rogan Lab, Western University
No classification provided (evidence only). Condition: Thymoma. Review status: no classification provided. Collection method: in vitro. Allele origin: not applicable. Functional consequence: retained intron. Not counted in ClinVar's aggregate classification.

Dr. Peter K. Rogan Lab, Western University
No classification provided (evidence only). Condition: Thymoma. Review status: no classification provided. Collection method: in vitro. Allele origin: not applicable. Functional consequence: retained intron. Not counted in ClinVar's aggregate classification.

NM_000391.4(TPP1):c.1146-107C>G

Gene: TPP1 (tripeptidyl peptidase 1; minus strand). Cytogenetic location: 11p15.4.
Variant type: single nucleotide variant.
Coding change: c.1146-107C>G on transcript NM_000391.4 (MANE Select); 107 bases into the intron before coding-DNA position 1146, C replaced by G.
Molecular consequence: intron variant.
Genome position (GRCh38, 1-based): chr11:6,615,669, G>C on the plus strand (C>G on the coding strand, the complement: TPP1 is on the minus strand). VCF-style: chr11-6615669-G-C. GRCh37 (hg19) VCF-style: chr11-6636900-G-C.
Other names: NC_000011.9:g.6636900G>C.
Identifiers: ClinVar variation 675087 (VCV000675087.5), dbSNP rs1800745, ClinGen allele CA5858738.